The following is an entry in ClinVar:

NM_000384.3(APOB):c.10032A>C (p.Lys3344Asn)

Gene: APOB (apolipoprotein B; minus strand). Cytogenetic location: 2p24.1.
Variant type: single nucleotide variant.
Coding change: c.10032A>C on transcript NM_000384.3 (MANE Select); coding-DNA position 10032, A replaced by C.
Protein change: p.Lys3344Asn; replaces lysine 3344 with asparagine.
Molecular consequence: missense variant.
Genome position (GRCh38, 1-based): chr2:21,006,836, T>G on the plus strand (A>C on the coding strand, the complement: APOB is on the minus strand). VCF-style: chr2-21006836-T-G. GRCh37 (hg19) VCF-style: chr2-21229708-T-G.
Other names: short protein forms K3344N.
Identifiers: ClinVar variation 477786 (VCV000477786.11), dbSNP rs757857092, ClinGen allele CA345987788.

ClinVar aggregate classification (germline): Uncertain significance (1 of 4 stars; one submission).

Conditions:
Hypercholesterolemia, autosomal dominant, type B (FHCL2). Also called: APOB-Related Familial Hypercholesterolemia, Autosomal Dominant; Hyperlipoproteinemia Type IIb; Familial Hypercholesterolemia Type B; APOLIPOPROTEIN B-100, FAMILIAL DEFECTIVE; APOLIPOPROTEIN B-100, FAMILIAL LIGAND-DEFECTIVE; HYPERCHOLESTEROLEMIA, FAMILIAL, DUE TO LIGAND-DEFECTIVE APOLIPOPROTEIN B. Identifiers: MedGen C1704417, MONDO:0007751, OMIM 144010.
Familial hypobetalipoproteinemia 1. Also called: Hypobetalipoproteinemia, normotriglyceridemic; Acanthocytosis with hypobetalipoproteinemia; APOB-Related Familial Hypobetalipoproteinemia. Identifiers: MedGen C4551990, MONDO:0014252, OMIM 615558.

Submission:

Labcorp Genetics (formerly Invitae), Labcorp
Classification: Uncertain significance for Familial hypobetalipoproteinemia 1; Hypercholesterolemia, autosomal dominant, type B. Last evaluated: 2017-01-18. Review status: criteria provided, single submitter. Criteria: Invitae Variant Classification Sherloc (09022015). Collection method: clinical testing. Allele origin: germline.
Comment: This sequence change replaces lysine with asparagine at codon 3344 of the APOB protein (p.Lys3344Asn). The lysine residue is highly conserved and there is a moderate physicochemical difference between lysine and asparagine. This variant is not present in population databases (ExAC no frequency) and has not been reported in the literature in individuals with a APOB-related disease. Algorithms developed to predict the effect of missense changes on protein structure and function do not agree on the potential impact of this missense change (SIFT: "Deleterious"; PolyPhen-2: "Probably Damaging"; Align-GVGD: "Class C0"). In summary, this variant is a novel missense change with uncertain impact on protein function. It has been classified as a Variant of Uncertain Significance.